The following is an entry in ClinVar:

ClinVar aggregate classification (germline): Pathogenic (1 of 4 stars; one submission).

Conditions:
Bosch-Boonstra-Schaaf optic atrophy syndrome (BBSOAS). Also called: NR2F1-Related Neurodevelopmental Disorder. Identifiers: Orphanet 401777, MedGen C3810363, MONDO:0014320, OMIM 615722.

Submission:

Victorian Clinical Genetics Services, Murdoch Childrens Research Institute
Classification: Pathogenic for Bosch-Boonstra-Schaaf optic atrophy syndrome. Last evaluated: 2026-01-30. Review status: criteria provided, single submitter. Criteria: ACMG Guidelines, 2015. Collection method: clinical testing. Allele origin: germline. Affected: yes.
Comment: This variant is classified as Pathogenic. Evidence in support of pathogenic classification: Variant is predicted to cause nonsense-mediated decay (NMD) and loss of protein (premature termination codon is located at least 54 nucleotides upstream of the final exon-exon junction); Variant is absent from gnomAD (v2, v3 and v4); Other NMD predicted variants comparable to the one identified in this case have very strong previous evidence for pathogenicity (DECIPHER); Additional information: This variant is heterozygous; This gene is associated with autosomal dominant disease; This variant has no previous evidence of pathogenicity; No published evidence of segregation with disease has been identified for this variant; No published functional evidence has been identified for this variant; Loss of function is a known mechanism of disease in this gene and is associated with Bosch-Boonstra-Schaaf optic atrophy syndrome (MIM#615722; PMID: 24462372, PMID: 26986877). However, a dominant-negative mechanism has been proposed for variants in the DNA binding domain (DBD) of the protein (PMID: 26986877, PMID: 32275123).

Literature cited by the submitters: PubMed 24462372; PubMed 32275123; PubMed 26986877.

NM_005654.6(NR2F1):c.166_182dup (p.Thr63fs)

Genes: NR2F1-AS1 (NR2F1 regulatory antisense RNA 1; minus strand), NR2F1 (nuclear receptor subfamily 2 group F member 1; plus strand). Cytogenetic location: 5q15.
Variant type: Duplication.
Coding change: c.166_182dup on transcript NM_005654.6 (MANE Select); coding-DNA positions 166 to 182, 17 bases duplicated (GGCCAGCCCGGAGCGCC).
Protein change: p.Thr63fs; shifts the reading frame from threonine 63.
Molecular consequence: frameshift variant.
Genome position (GRCh38, 1-based): chr5:93,585,189-93,585,205, GGCCAGCCCGGAGCGCC duplicated. VCF-style (leftmost placement, unchanged base first): chr5-93585188-G-GGGCCAGCCCGGAGCGCC. GRCh37 (hg19) VCF-style: chr5-92920894-G-GGGCCAGCCCGGAGCGCC.
Other names: short protein forms T63fs.
Identifiers: ClinVar variation 4819012 (VCV004819012.1).
Genomic context (GRCh38, chr5:93,585,188, plus strand): 5'-CGGCGCCGGCGAGCAGCAGCAGCAGGCGGGCTCGGGCGCGCCGCACACGCCGCAGACCCC[G>GGGCCAGCCCGGAGCGCC]GGCCAGCCCGGAGCGCCCGCCACCCCCGGCACGGCGGGGGACAAGGGCCAGGGCCCGCCC-3'